The following is an entry in ClinVar:

NM_001278298.2(COL6A5):c.3550C>T (p.Gln1184Ter)

Gene: COL6A5 (collagen type VI alpha 5 chain; plus strand). Cytogenetic location: 3q22.1.
Variant type: single nucleotide variant.
Coding change: c.3550C>T on transcript NM_001278298.2 (MANE Select); coding-DNA position 3550, C replaced by T.
Protein change: p.Gln1184Ter; replaces glutamine 1184 with a stop codon.
Molecular consequence: nonsense. On other transcripts: non-coding transcript variant (1).
Genome position (GRCh38, 1-based): chr3:130,395,447, C>T. VCF-style: chr3-130395447-C-T. GRCh37 (hg19) VCF-style: chr3-130114290-C-T.
Other names: c.3550C>T, p.Gln1184Ter (NM_001412157.1, NM_153264.7); short protein forms Q1184*.
Identifiers: ClinVar variation 3044719 (VCV003044719.2), dbSNP rs115380050, ClinGen allele CA2611000.
Genomic context (GRCh38, chr3:130,395,447, plus strand): 5'-CAAGACTTTGATAAATTAAAGAATGTGGATGTGAAAAAAAGAATCATCCGTGAAATCTGC[C>T]AGAGCTGTGGGAAAACCAGTAAGTGCTTCTTGTTTGGTTTTCTTCCATGGAAACTTCTCA-3'

ClinVar aggregate classification (germline): Likely benign (0 of 4 stars; one submission).

Conditions:
COL6A5-related disorder. Also called: COL6A5-related condition.

Allele frequency attached by ClinVar (database versions not stated): gnomAD exomes 0.00040; ExAC 0.00180; gnomAD 0.00525; TOPMed 0.00538; 1000 Genomes Project 0.00679; 1000 Genomes Project 30x 0.00781.
gnomAD v4.1: 1,400 of 1,543,558 alleles (0.091%); highest among the groups gnomAD compares: African/African-American, 1.6%; 13 homozygotes.

Submission:

PreventionGenetics, part of Exact Sciences
Classification: Likely benign for COL6A5-related condition. Last evaluated: 2020-10-06. Review status: no assertion criteria provided. Collection method: clinical testing. Allele origin: germline.
Comment: This variant is classified as likely benign based on ACMG/AMP sequence variant interpretation guidelines (Richards et al. 2015 PMID: 25741868, with internal and published modifications).